The following is an entry in ClinVar:

NM_005612.5(REST):c.556T>C (p.Phe186Leu)

Gene: REST (RE1 silencing transcription factor; plus strand). Cytogenetic location: 4q12.
Variant type: single nucleotide variant.
Coding change: c.556T>C on transcript NM_005612.5 (MANE Select); coding-DNA position 556, T replaced by C.
Protein change: p.Phe186Leu; replaces phenylalanine 186 with leucine.
Molecular consequence: missense variant.
Genome position (GRCh38, 1-based): chr4:56,911,194, T>C. VCF-style: chr4-56911194-T-C. GRCh37 (hg19) VCF-style: chr4-57777360-T-C.
Other names: c.556T>C, p.Phe186Leu (NM_001193508.2, NM_001363453.3); short protein forms F186L.
Identifiers: ClinVar variation 1062825 (VCV001062825.9), dbSNP rs764815520, ClinGen allele CA2932119.

ClinVar aggregate classification (germline): Uncertain significance (1 of 4 stars; one submission).

Allele frequency attached by ClinVar (database versions not stated): gnomAD exomes below 0.00001; ExAC 0.00001.

Submission:

Labcorp Genetics (formerly Invitae), Labcorp
Classification: Uncertain significance. Last evaluated: 2024-11-30. Review status: criteria provided, single submitter. Criteria: Invitae Variant Classification Sherloc (09022015). Collection method: clinical testing. Allele origin: germline.
Comment: This sequence change replaces phenylalanine, which is neutral and non-polar, with leucine, which is neutral and non-polar, at codon 186 of the REST protein (p.Phe186Leu). This variant is not present in population databases (gnomAD no frequency). This variant has not been reported in the literature in individuals affected with REST-related conditions. ClinVar contains an entry for this variant (Variation ID: 1062825). An algorithm developed to predict the effect of missense changes on protein structure and function (PolyPhen-2) suggests that this variant is likely to be disruptive. In summary, the available evidence is currently insufficient to determine the role of this variant in disease. Therefore, it has been classified as a Variant of Uncertain Significance.